The following is an entry in ClinVar:

NM_002047.4(GARS1):c.450T>A (p.Phe150Leu)

Gene: GARS1 (glycyl-tRNA synthetase 1; plus strand). Cytogenetic location: 7p14.3.
Variant type: single nucleotide variant.
Coding change: c.450T>A on transcript NM_002047.4 (MANE Select); coding-DNA position 450, T replaced by A.
Protein change: p.Phe150Leu; replaces phenylalanine 150 with leucine.
Molecular consequence: missense variant.
Genome position (GRCh38, 1-based): chr7:30,601,081, T>A. VCF-style: chr7-30601081-T-A. GRCh37 (hg19) VCF-style: chr7-30640697-T-A.
Other names: c.288T>A, p.Phe96Leu (NM_001316772.1); c.450T>A (LRG_243t1); short protein forms F150L, F96L.
Identifiers: ClinVar variation 582547 (VCV000582547.8), dbSNP rs751505742, ClinGen allele CA156100089.

ClinVar aggregate classification (germline): Uncertain significance (1 of 4 stars; one submission).

Conditions:
Charcot-Marie-Tooth disease type 2. Also called: Charcot-Marie-Tooth type 2. Identifiers: Orphanet 64746, MedGen C0270914, MONDO:0018993.

Allele frequency attached by ClinVar (database versions not stated): TOPMed 0.00001.

Submission:

Labcorp Genetics (formerly Invitae), Labcorp
Classification: Uncertain significance for Charcot-Marie-Tooth disease type 2. Last evaluated: 2018-01-29. Review status: criteria provided, single submitter. Criteria: Invitae Variant Classification Sherloc (09022015). Collection method: clinical testing. Allele origin: germline.
Comment: In summary, the available evidence is currently insufficient to determine the role of this variant in disease. Therefore, it has been classified as a Variant of Uncertain Significance. Algorithms developed to predict the effect of sequence changes on RNA splicing suggest that this variant may create or strengthen a splice site, but this prediction has not been confirmed by published transcriptional studies. Algorithms developed to predict the effect of missense changes on protein structure and function output the following: SIFT: "Tolerated"; PolyPhen-2: "Benign"; Align-GVGD: "Class C0". The leucine amino acid residue is found in multiple mammalian species, suggesting that this missense change does not adversely affect protein function. These predictions have not been confirmed by published functional studies and their clinical significance is uncertain. This variant has not been reported in the literature in individuals with GARS-related disease. This variant is not present in population databases (ExAC no frequency). This sequence change replaces phenylalanine with leucine at codon 150 of the GARS protein (p.Phe150Leu). The phenylalanine residue is highly conserved and there is a small physicochemical difference between phenylalanine and leucine.